The following is an entry in ClinVar:

ClinVar aggregate classification (germline): Uncertain significance (1 of 4 stars; one submission).

Conditions:
Dyskeratosis congenita. Identifiers: Orphanet 1775, MedGen C0265965, MONDO:0015780.

Submission:

Ambry Genetics
Classification: Uncertain significance for Dyskeratosis congenita. Last evaluated: 2024-10-25. Review status: criteria provided, single submitter. Criteria: Ambry Variant Classification Scheme 2023. Collection method: clinical testing. Allele origin: germline.
Comment: The p.A62E variant (also known as c.185C>A), located in coding exon 1 of the TERT gene, results from a C to A substitution at nucleotide position 185. The alanine at codon 62 is replaced by glutamic acid, an amino acid with dissimilar properties. This amino acid position is conserved. In addition, the in silico prediction for this alteration is inconclusive. Based on the available evidence, the clinical significance of this variant remains unclear.

NM_198253.3(TERT):c.185C>A (p.Ala62Glu)

Genes: TERT (telomerase reverse transcriptase; minus strand), LOC110806263 (TERT 5' regulatory region; plus strand). Cytogenetic location: 5p15.33.
Variant type: single nucleotide variant.
Coding change: c.185C>A on transcript NM_198253.3 (MANE Select); coding-DNA position 185, C replaced by A.
Protein change: p.Ala62Glu; replaces alanine 62 with glutamic acid.
Molecular consequence: missense variant. On other transcripts: non-coding transcript variant (2).
Genome position (GRCh38, 1-based): chr5:1,294,805, G>T on the plus strand (C>A on the coding strand, the complement: TERT is on the minus strand). VCF-style: chr5-1294805-G-T. GRCh37 (hg19) VCF-style: chr5-1294920-G-T.
Other names: c.185C>A, p.Ala62Glu (NM_001193376.3); short protein forms A62E.
Identifiers: ClinVar variation 3455208 (VCV003455208.1).